The following is an entry in ClinVar:

NM_000631.5(NCF4):c.628-3C>G

Gene: NCF4 (neutrophil cytosolic factor 4; plus strand). Cytogenetic location: 22q12.3.
Variant type: single nucleotide variant.
Coding change: c.628-3C>G on transcript NM_000631.5 (MANE Select); 3 bases into the intron before coding-DNA position 628, C replaced by G.
Molecular consequence: intron variant.
Genome position (GRCh38, 1-based): chr22:36,875,650, C>G. VCF-style: chr22-36875650-C-G. GRCh37 (hg19) VCF-style: chr22-37271692-C-G.
Other names: c.628-3C>G (NM_013416.4).
Identifiers: ClinVar variation 1506377 (VCV001506377.6), dbSNP rs920454179, ClinGen allele CA2573158176.

ClinVar aggregate classification (germline): Uncertain significance (1 of 4 stars; one submission).

Conditions:
Granulomatous disease, chronic, autosomal recessive, cytochrome b-positive, type 3. Also called: Granulomatous disease, chronic, autosomal recessive, cytochrome b-positive, type III; GRANULOMATOUS DISEASE, CHRONIC, AUTOSOMAL RECESSIVE, 3; CGD, AUTOSOMAL RECESSIVE CYTOCHROME b-POSITIVE, TYPE III; GRANULOMATOUS DISEASE, CHRONIC, DUE TO NCF4 DEFICIENCY. Identifiers: Orphanet 379, MedGen C3151409, MONDO:0013507, OMIM 613960.

Submission:

Labcorp Genetics (formerly Invitae), Labcorp
Classification: Uncertain significance for Granulomatous disease, chronic, autosomal recessive, cytochrome b-positive, type 3. Last evaluated: 2021-02-01. Review status: criteria provided, single submitter. Criteria: Invitae Variant Classification Sherloc (09022015). Collection method: clinical testing. Allele origin: germline.
Comment: This variant has not been reported in the literature in individuals with NCF4-related conditions. In summary, the available evidence is currently insufficient to determine the role of this variant in disease. Therefore, it has been classified as a Variant of Uncertain Significance. Nucleotide substitutions within the consensus splice site are a relatively common cause of aberrant splicing (PMID: 17576681, 9536098). Algorithms developed to predict the effect of sequence changes on RNA splicing suggest that this variant may disrupt the consensus splice site, but this prediction has not been confirmed by published transcriptional studies. This variant is not present in population databases (ExAC no frequency). This sequence change falls in intron 7 of the NCF4 gene. It does not directly change the encoded amino acid sequence of the NCF4 protein. It affects a nucleotide within the consensus splice site of the intron.

Literature cited by the submitters: PubMed 17576681; PubMed 9536098.